The following is an entry in ClinVar:

ClinVar aggregate classification (germline): Uncertain significance (1 of 4 stars; one submission).

Allele frequency attached by ClinVar (database versions not stated): gnomAD exomes below 0.00001 and 0.00001; ExAC 0.00001; TOPMed 0.00001; gnomAD 0.00002 and 0.00003; 1000 Genomes Project 30x 0.00016; 1000 Genomes Project 0.00020.
gnomAD v4.1: 9 of 1,614,040 alleles (0.00056%); highest among the groups gnomAD compares: Admixed American, 0.015%; no homozygotes.

Submission:

Labcorp Genetics (formerly Invitae), Labcorp
Classification: Uncertain significance. Last evaluated: 2023-10-03. Review status: criteria provided, single submitter. Criteria: Invitae Variant Classification Sherloc (09022015). Collection method: clinical testing. Allele origin: germline.
Comment: This sequence change replaces histidine, which is basic and polar, with tyrosine, which is neutral and polar, at codon 453 of the CYP4V2 protein (p.His453Tyr). This variant is present in population databases (rs563017506, gnomAD 0.009%). This variant has not been reported in the literature in individuals affected with CYP4V2-related conditions. ClinVar contains an entry for this variant (Variation ID: 1492206). Advanced modeling of protein sequence and biophysical properties (such as structural, functional, and spatial information, amino acid conservation, physicochemical variation, residue mobility, and thermodynamic stability) performed at Invitae indicates that this missense variant is not expected to disrupt CYP4V2 protein function. In summary, the available evidence is currently insufficient to determine the role of this variant in disease. Therefore, it has been classified as a Variant of Uncertain Significance.

NM_207352.4(CYP4V2):c.1357C>T (p.His453Tyr)

Gene: CYP4V2 (cytochrome P450 family 4 subfamily V member 2; plus strand). Cytogenetic location: 4q35.2.
Variant type: single nucleotide variant.
Coding change: c.1357C>T on transcript NM_207352.4 (MANE Select); coding-DNA position 1357, C replaced by T.
Protein change: p.His453Tyr; replaces histidine 453 with tyrosine.
Molecular consequence: missense variant.
Genome position (GRCh38, 1-based): chr4:186,209,224, C>T. VCF-style: chr4-186209224-C-T. GRCh37 (hg19) VCF-style: chr4-187130378-C-T.
Other names: short protein forms H453Y.
Identifiers: ClinVar variation 1492206 (VCV001492206.6), dbSNP rs563017506, ClinGen allele CA3162841.